The following is an entry in ClinVar:

NM_001457.4(FLNB):c.2237A>C (p.Lys746Thr)

Gene: FLNB (filamin B; plus strand). Cytogenetic location: 3p14.3.
Variant type: single nucleotide variant.
Coding change: c.2237A>C on transcript NM_001457.4 (MANE Select); coding-DNA position 2237, A replaced by C.
Protein change: p.Lys746Thr; replaces lysine 746 with threonine.
Molecular consequence: missense variant.
Genome position (GRCh38, 1-based): chr3:58,109,613, A>C. VCF-style: chr3-58109613-A-C. GRCh37 (hg19) VCF-style: chr3-58095340-A-C.
Other names: c.2237A>C, p.Lys746Thr (NM_001164317.2, NM_001164318.2, NM_001164319.2); short protein forms K746T.
Identifiers: ClinVar variation 3637112 (VCV003637112.2).

ClinVar aggregate classification (germline): Uncertain significance (1 of 4 stars; one submission).

gnomAD v4.1: 25 of 1,614,062 alleles (0.0015%); highest among the groups gnomAD compares: Admixed American, 0.0017%; no homozygotes.

Submission:

Labcorp Genetics (formerly Invitae), Labcorp
Classification: Uncertain significance. Last evaluated: 2024-08-30. Review status: criteria provided, single submitter. Criteria: Invitae Variant Classification Sherloc (09022015). Collection method: clinical testing. Allele origin: germline.
Comment: This sequence change replaces lysine, which is basic and polar, with threonine, which is neutral and polar, at codon 746 of the FLNB protein (p.Lys746Thr). This variant is present in population databases (rs768861338, gnomAD 0.004%). This variant has not been reported in the literature in individuals affected with FLNB-related conditions. Invitae Evidence Modeling of protein sequence and biophysical properties (such as structural, functional, and spatial information, amino acid conservation, physicochemical variation, residue mobility, and thermodynamic stability) indicates that this missense variant is not expected to disrupt FLNB protein function with a negative predictive value of 95%. In summary, the available evidence is currently insufficient to determine the role of this variant in disease. Therefore, it has been classified as a Variant of Uncertain Significance.